The following is an entry in ClinVar:

NM_000465.4(BARD1):c.4_23del (p.Pro2fs)

Gene: BARD1 (BRCA1 associated RING domain 1; minus strand). Cytogenetic location: 2q35.
Variant type: Deletion.
Coding change: c.4_23del on transcript NM_000465.4 (MANE Select); coding-DNA positions 4 to 23, 20 bases deleted (CCGGATAATCGGCAGCCGAG).
Protein change: p.Pro2fs; shifts the reading frame from proline 2.
Molecular consequence: frameshift variant, initiator codon variant. On other transcripts: non-coding transcript variant (3).
Genome position (GRCh38, 1-based): chr2:214,809,547-214,809,566, CTCGGCTGCCGATTATCCGG deleted on the plus strand (CCGGATAATCGGCAGCCGAG on the coding strand, the reverse complement: BARD1 is on the minus strand); deleting any 20 consecutive bases within chr2:214,809,547-214,809,567 gives the same sequence; the c. name uses the placement nearest the transcript's 3' end. VCF-style (leftmost placement, unchanged base first): chr2-214809546-CCTCGGCTGCCGATTATCCGG-C. GRCh37 (hg19) VCF-style: chr2-215674270-CCTCGGCTGCCGATTATCCGG-C.
Other names: c.4_23del, p.Pro2fs (NM_001282543.2, NM_001282545.2, NM_001282548.2 and 1 more transcripts); short protein forms P2fs.
Identifiers: ClinVar variation 232926 (VCV000232926.6), dbSNP rs876660077, ClinGen allele CA10577872.

ClinVar aggregate classification (germline): Pathogenic (1 of 4 stars; one submission).

Conditions:
Hereditary cancer-predisposing syndrome. Also called: Neoplastic Syndromes, Hereditary; Tumor predisposition; Hereditary Cancer Syndrome; Hereditary neoplastic syndrome. Identifiers: Orphanet 140162, MedGen C0027672, MeSH D009386, MONDO:0015356.

Submission:

Ambry Genetics
Classification: Pathogenic for Hereditary cancer-predisposing syndrome. Last evaluated: 2015-07-10. Review status: criteria provided, single submitter. Criteria: Ambry Variant Classification Scheme 2023. Collection method: clinical testing. Allele origin: germline.
Comment: The c.4_23del20 variant, located in coding exon 1 of the BARD1 gene, results from a deletion of 20 nucleotides between nucleotide positions 4 and 23, causing a translational frameshift with a predicted alternate stop codon. Since frameshifts are typically deleterious in nature, this alteration is interpreted as a disease-causing mutation (ACMG Recommendations for Standards for Interpretation and Reporting of Sequence Variations. Revision 2007. Genet Med. 2008;10:294).